The following is an entry in ClinVar:

NM_017617.5(NOTCH1):c.5603A>T (p.Asp1868Val)

Gene: NOTCH1 (notch receptor 1; minus strand). Cytogenetic location: 9q34.3.
Variant type: single nucleotide variant.
Coding change: c.5603A>T on transcript NM_017617.5 (MANE Select); coding-DNA position 5603, A replaced by T.
Protein change: p.Asp1868Val; replaces aspartic acid 1868 with valine.
Molecular consequence: missense variant.
Genome position (GRCh38, 1-based): chr9:136,501,783, T>A on the plus strand (A>T on the coding strand, the complement: NOTCH1 is on the minus strand). VCF-style: chr9-136501783-T-A. GRCh37 (hg19) VCF-style: chr9-139396235-T-A.
Other names: short protein forms D1868V.
Identifiers: ClinVar variation 2452183 (VCV002452183.6), dbSNP rs1478084229, ClinGen allele CA375638982.

ClinVar aggregate classification (germline): Uncertain significance. Review status: criteria provided, multiple submitters, no conflicts (2 of 4 stars). 3 submissions from 3 submitters: Uncertain significance (3). Last evaluated 2025-05-14.

Conditions:
Familial thoracic aortic aneurysm and aortic dissection (TAAD). Also called: Thoracic aortic aneurysms and dissections. Identifiers: Orphanet 91387, MedGen C4707243, MONDO:0019625.
Adams-Oliver syndrome 5 (AOS5). Identifiers: Orphanet 974, MedGen C4014970, MONDO:0014459, OMIM 616028.

Allele frequency attached by ClinVar (database versions not stated): gnomAD 0.00001; TOPMed 0.00001.

Submissions (3):

GeneDx
Classification: Uncertain significance. Last evaluated: 2025-05-14. Review status: criteria provided, single submitter. Criteria: GeneDx Variant Classification Process June 2021. Collection method: clinical testing. Allele origin: germline. Affected: yes.
Comment: Not observed at significant frequency in large population cohorts (gnomAD); In silico analysis supports that this missense variant has a deleterious effect on protein structure/function; Has not been previously published as pathogenic or benign to our knowledge

Labcorp Genetics (formerly Invitae), Labcorp
Classification: Uncertain significance for Adams-Oliver syndrome 5. Last evaluated: 2023-02-21. Review status: criteria provided, single submitter. Criteria: Invitae Variant Classification Sherloc (09022015). Collection method: clinical testing. Allele origin: germline.
Comment: In summary, the available evidence is currently insufficient to determine the role of this variant in disease. Therefore, it has been classified as a Variant of Uncertain Significance. Advanced modeling of protein sequence and biophysical properties (such as structural, functional, and spatial information, amino acid conservation, physicochemical variation, residue mobility, and thermodynamic stability) performed at Invitae indicates that this missense variant is not expected to disrupt NOTCH1 protein function. This variant has not been reported in the literature in individuals affected with NOTCH1-related conditions. This variant is not present in population databases (gnomAD no frequency). This sequence change replaces aspartic acid, which is acidic and polar, with valine, which is neutral and non-polar, at codon 1868 of the NOTCH1 protein (p.Asp1868Val).

Ambry Genetics
Classification: Uncertain significance for Familial thoracic aortic aneurysm and aortic dissection. Last evaluated: 2022-12-23. Review status: criteria provided, single submitter. Criteria: Ambry Variant Classification Scheme 2023. Collection method: clinical testing. Allele origin: germline.
Comment: The p.D1868V variant (also known as c.5603A>T), located in coding exon 30 of the NOTCH1 gene, results from an A to T substitution at nucleotide position 5603. The aspartic acid at codon 1868 is replaced by valine, an amino acid with highly dissimilar properties. This amino acid position is conserved. In addition, the in silico prediction for this alteration is inconclusive. Since supporting evidence is limited at this time, the clinical significance of this alteration remains unclear.